The following is an entry in ClinVar:

NM_000059.4(BRCA2):c.5756del (p.Lys1919fs)

Gene: BRCA2 (BRCA2 DNA repair associated; plus strand). Cytogenetic location: 13q13.1.
Variant type: Deletion.
Coding change: c.5756del on transcript NM_000059.4 (MANE Select); coding-DNA position 5756, one base deleted (A; older notation c.5756delA).
Protein change: p.Lys1919fs; shifts the reading frame from lysine 1919.
Molecular consequence: frameshift variant.
Genome position (GRCh38, 1-based): chr13:32,340,111, A deleted; the last of 2 consecutive A bases (chr13:32,340,110-32,340,111); deleting either gives the same sequence. VCF-style (leftmost placement, unchanged base first): chr13-32340109-TA-T. GRCh37 (hg19) VCF-style: chr13-32914246-TA-T.
Other names: c.5756delA, p.Lys1919Argfs (NM_001406719.1, NM_001406720.1); short protein forms K1919fs.
Identifiers: ClinVar variation 1749450 (VCV001749450.2), dbSNP rs2548531664, ClinGen allele CA2580087778.

ClinVar aggregate classification (germline): Pathogenic (1 of 4 stars; one submission).

Conditions:
Hereditary cancer-predisposing syndrome. Also called: Hereditary Cancer Syndrome; Hereditary neoplastic syndrome; Neoplastic Syndromes, Hereditary; Tumor predisposition. Identifiers: Orphanet 140162, MedGen C0027672, MeSH D009386, MONDO:0015356.

Submission:

Ambry Genetics
Classification: Pathogenic for Hereditary cancer-predisposing syndrome. Last evaluated: 2020-07-21. Review status: criteria provided, single submitter. Criteria: Ambry Variant Classification Scheme 2023. Collection method: clinical testing. Allele origin: germline.
Comment: The c.5756delA pathogenic mutation, located in coding exon 10 of the BRCA2 gene, results from a deletion of one nucleotide at nucleotide position 5756, causing a translational frameshift with a predicted alternate stop codon (p.K1919Rfs*44). This alteration is expected to result in loss of function by premature protein truncation or nonsense-mediated mRNA decay. As such, this alteration is interpreted as a disease-causing mutation.